The following is an entry in ClinVar:

NM_152783.5(D2HGDH):c.1334C>T (p.Thr445Met)

Gene: D2HGDH (D-2-hydroxyglutarate dehydrogenase; plus strand). Cytogenetic location: 2q37.3.
Variant type: single nucleotide variant.
Coding change: c.1334C>T on transcript NM_152783.5 (MANE Select); coding-DNA position 1334, C replaced by T.
Protein change: p.Thr445Met; replaces threonine 445 with methionine.
Molecular consequence: missense variant. On other transcripts: non-coding transcript variant (1).
Genome position (GRCh38, 1-based): chr2:241,767,737, C>T. VCF-style: chr2-241767737-C-T. GRCh37 (hg19) VCF-style: chr2-242707152-C-T.
Other names: c.932C>T, p.Thr311Met (NM_001287249.2); c.773C>T, p.Thr258Met (NM_001352824.2); c.1334C>T (NM_152783.3); short protein forms T258M, T445M, T311M.
Identifiers: ClinVar variation 935524 (VCV000935524.9), dbSNP rs200103827, ClinGen allele CA2222206.

ClinVar aggregate classification (germline): Uncertain significance. Review status: criteria provided, multiple submitters, no conflicts (2 of 4 stars). 3 submissions from 3 submitters: Uncertain significance (3). Last evaluated 2025-08-01.

Conditions:
Inborn genetic diseases. Identifiers: MedGen C0950123, MeSH D030342.
D-2-hydroxyglutaric aciduria 1 (D2HGA1). Identifiers: Orphanet 79315, MedGen C3152055, MONDO:0024554, OMIM 600721.

Allele frequency attached by ClinVar (database versions not stated): ExAC 0.00003; gnomAD exomes 0.00003; gnomAD 0.00019 and 0.00020; TOPMed 0.00049; 1000 Genomes Project 0.00080; 1000 Genomes Project 30x 0.00109.
gnomAD v4.1: 72 of 1,612,880 alleles (0.0045%); highest among the groups gnomAD compares: Admixed American, 0.073%; no homozygotes.

Submissions (3):

Ambry Genetics
Classification: Uncertain significance for Inborn genetic diseases. Last evaluated: 2025-08-01. Review status: criteria provided, single submitter. Criteria: Ambry Variant Classification Scheme 2023. Collection method: clinical testing. Allele origin: germline.

GeneDx
Classification: Uncertain significance. Last evaluated: 2024-09-23. Review status: criteria provided, single submitter. Criteria: GeneDx Variant Classification Process June 2021. Collection method: clinical testing. Allele origin: germline. Affected: yes.
Comment: In silico analysis supports that this missense variant has a deleterious effect on protein structure/function; Has not been previously published as pathogenic or benign to our knowledge

Labcorp Genetics (formerly Invitae), Labcorp
Classification: Uncertain significance for D-2-hydroxyglutaric aciduria 1. Last evaluated: 2022-10-13. Review status: criteria provided, single submitter. Criteria: Invitae Variant Classification Sherloc (09022015). Collection method: clinical testing. Allele origin: germline.
Comment: This sequence change replaces threonine, which is neutral and polar, with methionine, which is neutral and non-polar, at codon 445 of the D2HGDH protein (p.Thr445Met). This variant is present in population databases (rs200103827, gnomAD 0.01%). This variant has not been reported in the literature in individuals affected with D2HGDH-related conditions. ClinVar contains an entry for this variant (Variation ID: 935524). Advanced modeling of protein sequence and biophysical properties (such as structural, functional, and spatial information, amino acid conservation, physicochemical variation, residue mobility, and thermodynamic stability) performed at Invitae indicates that this missense variant is not expected to disrupt D2HGDH protein function. In summary, the available evidence is currently insufficient to determine the role of this variant in disease. Therefore, it has been classified as a Variant of Uncertain Significance.